The following is an entry in ClinVar:

NM_000088.4(COL1A1):c.3424-6C>G

Gene: COL1A1 (collagen type I alpha 1 chain; minus strand). Cytogenetic location: 17q21.33.
Variant type: single nucleotide variant.
Coding change: c.3424-6C>G on transcript NM_000088.4 (MANE Select); 6 bases into the intron before coding-DNA position 3424, C replaced by G.
Molecular consequence: intron variant.
Genome position (GRCh38, 1-based): chr17:50,187,128, G>C on the plus strand (C>G on the coding strand, the complement: COL1A1 is on the minus strand). VCF-style: chr17-50187128-G-C. GRCh37 (hg19) VCF-style: chr17-48264489-G-C.
Other names: c.3424-6C>G (LRG_1t1).
Identifiers: ClinVar variation 425620 (VCV000425620.9), dbSNP rs370865189, ClinGen allele CA645293905.

ClinVar aggregate classification (germline): Uncertain significance. Review status: criteria provided, single submitter (1 of 4 stars). 2 submissions from 2 submitters: Uncertain significance (1). 1 of the submissions does not count toward it. Last evaluated 2021-02-14.

Conditions:
Osteogenesis imperfecta type I (OI1). Also called: Lobstein's Disease; Lobstein disease; Osteogenesis imperfecta type 1; OI, TYPE I; OSTEOGENESIS IMPERFECTA TARDA; OSTEOGENESIS IMPERFECTA WITH BLUE SCLERAE. Identifiers: Orphanet 216796, Orphanet 666, MedGen C0023931, MONDO:0008146, OMIM 166200. Disease mechanism: loss of function.

Submissions (2):

Labcorp Genetics (formerly Invitae), Labcorp
Classification: Uncertain significance for Osteogenesis imperfecta type I. Last evaluated: 2021-02-14. Review status: criteria provided, single submitter. Criteria: Invitae Variant Classification Sherloc (09022015). Collection method: clinical testing. Allele origin: germline.
Comment: This sequence change falls in intron 46 of the COL1A1 gene. It does not directly change the encoded amino acid sequence of the COL1A1 protein. This variant is not present in population databases (ExAC no frequency). This variant has been observed in individual(s) with osteogenesis imperfecta (PMID: 25963598, 28498836). ClinVar contains an entry for this variant (Variation ID: 425620). Algorithms developed to predict the effect of sequence changes on RNA splicing suggest that this variant may disrupt the consensus splice site, but this prediction has not been confirmed by published transcriptional studies. In summary, the available evidence is currently insufficient to determine the role of this variant in disease. Therefore, it has been classified as a Variant of Uncertain Significance.

Department of Medical Sciences, Uppsala University
Classification: Pathogenic for OI type I. Review status: no assertion criteria provided. Collection method: clinical testing. Allele origin: paternal. Affected: yes. Observed: 1 variant allele. Not counted in ClinVar's aggregate classification.

Literature cited by the submitters: PubMed 25963598 (cited by Labcorp Genetics (formerly Invitae), Labcorp); PubMed 28498836 (cited by Labcorp Genetics (formerly Invitae), Labcorp); PubMed 25944380 (cited by Department of Medical Sciences, Uppsala University).